The following is an entry in ClinVar:

NM_024675.4(PALB2):c.2997-16A>G

Gene: PALB2 (partner and localizer of BRCA2; minus strand). Cytogenetic location: 16p12.2.
Variant type: single nucleotide variant.
Coding change: c.2997-16A>G on transcript NM_024675.4 (MANE Select); 16 bases into the intron before coding-DNA position 2997, A replaced by G.
Molecular consequence: intron variant.
Genome position (GRCh38, 1-based): chr16:23,621,494, T>C on the plus strand (A>G on the coding strand, the complement: PALB2 is on the minus strand). VCF-style: chr16-23621494-T-C. GRCh37 (hg19) VCF-style: chr16-23632815-T-C.
Identifiers: ClinVar variation 1949438 (VCV001949438.6), dbSNP rs2142328706, ClinGen allele CA2580091348.

ClinVar aggregate classification (germline): Likely benign. Review status: criteria provided, multiple submitters, no conflicts (2 of 4 stars). 2 submissions from 2 submitters: Likely benign (2). Last evaluated 2025-01-21.

Conditions:
Familial cancer of breast. Also called: BREAST CANCER, FAMILIAL; Hereditary breast cancer; hereditary breast carcinoma. Identifiers: Orphanet 227535, MedGen C0346153, MONDO:0016419, OMIM 114480. Disease mechanism: loss of function.

Allele frequency attached by ClinVar (database versions not stated): gnomAD exomes below 0.00001.
gnomAD v4.1: 3 of 1,527,048 alleles (0.0002%); highest among the groups gnomAD compares: South Asian, 0.0022%; no homozygotes.

Submissions (2):

Myriad Genetics, Inc.
Classification: Likely benign for Familial cancer of breast. Last evaluated: 2025-01-21. Review status: criteria provided, single submitter. Criteria: Myriad Autosomal Dominant, Autosomal Recessive and X-Linked Classification Criteria (2023). Collection method: clinical testing. Allele origin: unknown.
Comment: This variant is considered likely benign. This variant is intronic and is not expected to impact mRNA splicing.

Labcorp Genetics (formerly Invitae), Labcorp
Classification: Likely benign for Familial cancer of breast. Last evaluated: 2024-12-18. Review status: criteria provided, single submitter. Criteria: Invitae Variant Classification Sherloc (09022015). Collection method: clinical testing. Allele origin: germline.